The following is an entry in ClinVar:

NM_000642.3(AGL):c.3903C>A (p.Ser1301=)

Gene: AGL (amylo-alpha-1,6-glucosidase and 4-alpha-glucanotransferase; plus strand). Cytogenetic location: 1p21.2.
Variant type: single nucleotide variant.
Coding change: c.3903C>A on transcript NM_000642.3 (MANE Select); coding-DNA position 3903, C replaced by A.
Protein change: p.Ser1301=; no amino-acid change (serine 1301 retained).
Molecular consequence: synonymous variant.
Genome position (GRCh38, 1-based): chr1:99,912,471, C>A. VCF-style: chr1-99912471-C-A. GRCh37 (hg19) VCF-style: chr1-100378027-C-A.
Other names: c.3903C>A (NM_000642.2); c.3903C>A, p.Ser1301= (NM_000028.3, NM_000643.3, NM_000644.3 and 1 more transcripts); c.3855C>A, p.Ser1285= (NM_000646.3); c.3882C>A, p.Ser1294= (NM_001425326.1); c.3702C>A, p.Ser1234= (NM_001425327.1); c.3699C>A, p.Ser1233= (NM_001425328.1); c.3564C>A, p.Ser1188= (NM_001425329.1); c.3525C>A, p.Ser1175= (NM_001425332.1).
Identifiers: ClinVar variation 1595617 (VCV001595617.10), dbSNP rs2100854559, ClinGen allele CA419092485.
Genomic context (GRCh38, chr1:99,912,471, plus strand): 5'-GTCTGCTGTGGAAATTGTGGGCCTGAGTAAATCTGCTGTTCGCTGGTTGCTGGAATTATC[C>A]AAAAAAAATATTTTCCCTTATCATGAAGTCACAGTAAAAAGACATGGTAAGCTGGTTATT-3'
Protein context (NP_000633.2, residues 1291-1311): KSAVRWLLEL[Ser1301=]KKNIFPYHEV

ClinVar aggregate classification (germline): Likely benign. Review status: criteria provided, single submitter (1 of 4 stars). 2 submissions from 2 submitters: Likely benign (1). 1 of the submissions does not count toward it. Last evaluated 2025-12-24.

Conditions:
AGL-related disorder. Also called: AGL-related condition.
Glycogen storage disease type III (GSD3). Also called: FORBES DISEASE; Cori disease. Identifiers: Orphanet 366, MedGen C0017922, MONDO:0009291, OMIM 232400.

Allele frequency attached by ClinVar (database versions not stated): gnomAD exomes below 0.00001.

Submissions (2):

Labcorp Genetics (formerly Invitae), Labcorp
Classification: Likely benign for Glycogen storage disease type III. Last evaluated: 2025-12-24. Review status: criteria provided, single submitter. Criteria: Invitae Variant Classification Sherloc (09022015). Collection method: clinical testing. Allele origin: germline.

PreventionGenetics, part of Exact Sciences
Classification: Likely benign for AGL-related condition. Last evaluated: 2020-07-28. Review status: no assertion criteria provided. Collection method: clinical testing. Allele origin: germline. Not counted in ClinVar's aggregate classification.
Comment: This variant is classified as likely benign based on ACMG/AMP sequence variant interpretation guidelines (Richards et al. 2015 PMID: 25741868, with internal and published modifications).